The following is an entry in ClinVar:

ClinVar aggregate classification (germline): Uncertain significance (1 of 4 stars; one submission).

Conditions:
Mucolipidosis type II. Also called: ML II ALPHA/BETA; Mucolipidosis 2; ML 2; Inclusion cell disease; Leroy Disease; N-acetylglucosamine 1phosphotransferase deficiency. Identifiers: Orphanet 576, MedGen C2673377, MONDO:0009650, OMIM 252500.
Pseudo-Hurler polydystrophy. Also called: ML III; ML III ALPHA/BETA; MUCOLIPIDOSIS IIIA; Type III Mucolipidosis; ML IIIA; Mucolipidosis III Alpha/Beta. Identifiers: Orphanet 423461, Orphanet 577, MedGen C0033788, MONDO:0018931, OMIM 252600.

gnomAD v4.1: 16 of 1,613,494 alleles (0.00099%); highest among the groups gnomAD compares: Admixed American, 0.027%; no homozygotes.

Submission:

Labcorp Genetics (formerly Invitae), Labcorp
Classification: Uncertain significance for Pseudo-Hurler polydystrophy; Mucolipidosis type II. Last evaluated: 2025-09-17. Review status: criteria provided, single submitter. Criteria: Invitae Variant Classification Sherloc (09022015). Collection method: clinical testing. Allele origin: germline.
Comment: This sequence change replaces valine, which is neutral and non-polar, with isoleucine, which is neutral and non-polar, at codon 343 of the GNPTAB protein (p.Val343Ile). This variant is present in population databases (rs140518816, gnomAD 0.02%). This variant has not been reported in the literature in individuals affected with GNPTAB-related conditions. Invitae Evidence Modeling of protein sequence and biophysical properties (such as structural, functional, and spatial information, amino acid conservation, physicochemical variation, residue mobility, and thermodynamic stability) indicates that this missense variant is not expected to disrupt GNPTAB protein function with a negative predictive value of 80%. In summary, the available evidence is currently insufficient to determine the role of this variant in disease. Therefore, it has been classified as a Variant of Uncertain Significance.

NM_024312.5(GNPTAB):c.1027G>A (p.Val343Ile)

Gene: GNPTAB (N-acetylglucosamine-1-phosphate transferase subunits alpha and beta; minus strand). Cytogenetic location: 12q23.2.
Variant type: single nucleotide variant.
Coding change: c.1027G>A on transcript NM_024312.5 (MANE Select); coding-DNA position 1027, G replaced by A.
Protein change: p.Val343Ile; replaces valine 343 with isoleucine.
Molecular consequence: missense variant.
Genome position (GRCh38, 1-based): chr12:101,770,492, C>T on the plus strand (G>A on the coding strand, the complement: GNPTAB is on the minus strand). VCF-style: chr12-101770492-C-T. GRCh37 (hg19) VCF-style: chr12-102164270-C-T.
Other names: short protein forms V343I.
Identifiers: ClinVar variation 4788635 (VCV004788635.1).